The following is an entry in ClinVar:

NM_025132.4(WDR19):c.1121A>G (p.Asn374Ser)

Gene: WDR19 (WD repeat domain 19; plus strand). Cytogenetic location: 4p14.
Variant type: single nucleotide variant.
Coding change: c.1121A>G on transcript NM_025132.4 (MANE Select); coding-DNA position 1121, A replaced by G.
Protein change: p.Asn374Ser; replaces asparagine 374 with serine.
Molecular consequence: missense variant.
Genome position (GRCh38, 1-based): chr4:39,216,000, A>G. VCF-style: chr4-39216000-A-G. GRCh37 (hg19) VCF-style: chr4-39217620-A-G.
Other names: c.641A>G, p.Asn214Ser (NM_001317924.2); short protein forms N214S, N374S.
Identifiers: ClinVar variation 1390395 (VCV001390395.1), dbSNP rs1729030821, ClinGen allele CA356630089.

ClinVar aggregate classification (germline): Uncertain significance (1 of 4 stars; one submission).

Conditions:
Asphyxiating thoracic dystrophy 5 (SRTD5). Also called: SHORT-RIB THORACIC DYSPLASIA 5 WITH OR WITHOUT POLYDACTYLY; SHORT-RIB THORACIC DYSPLASIA 5 WITHOUT POLYDACTYLY. Identifiers: Orphanet 474, MedGen C3280598, MONDO:0013717, OMIM 614376.
Senior-Loken syndrome 8 (SLSN8). Identifiers: Orphanet 3156, MedGen C4225376, MONDO:0014579, OMIM 616307.

Allele frequency attached by ClinVar (database versions not stated): gnomAD exomes below 0.00001; TOPMed below 0.00001; gnomAD 0.00001.
gnomAD v4.1: 2 of 1,603,386 alleles (0.00012%); highest among the groups gnomAD compares: Non-Finnish European, 0.00017%; no homozygotes.

Submission:

Labcorp Genetics (formerly Invitae), Labcorp
Classification: Uncertain significance for Senior-Loken syndrome 8; Asphyxiating thoracic dystrophy 5. Last evaluated: 2021-10-31. Review status: criteria provided, single submitter. Criteria: Invitae Variant Classification Sherloc (09022015). Collection method: clinical testing. Allele origin: germline.
Comment: This sequence change replaces asparagine, which is neutral and polar, with serine, which is neutral and polar, at codon 374 of the WDR19 protein (p.Asn374Ser). This variant is not present in population databases (gnomAD no frequency). This variant has not been reported in the literature in individuals affected with WDR19-related conditions. Algorithms developed to predict the effect of missense changes on protein structure and function (SIFT, PolyPhen-2, Align-GVGD) all suggest that this variant is likely to be tolerated. In summary, the available evidence is currently insufficient to determine the role of this variant in disease. Therefore, it has been classified as a Variant of Uncertain Significance.